The following is an entry in ClinVar:

NM_005506.4(SCARB2):c.381C>G (p.Asp127Glu)

Gene: SCARB2 (scavenger receptor class B member 2; minus strand). Cytogenetic location: 4q21.1.
Variant type: single nucleotide variant.
Coding change: c.381C>G on transcript NM_005506.4 (MANE Select); coding-DNA position 381, C replaced by G.
Protein change: p.Asp127Glu; replaces aspartic acid 127 with glutamic acid.
Molecular consequence: missense variant. On other transcripts: intron variant (1).
Genome position (GRCh38, 1-based): chr4:76,180,996, G>C on the plus strand (C>G on the coding strand, the complement: SCARB2 is on the minus strand). VCF-style: chr4-76180996-G-C. GRCh37 (hg19) VCF-style: chr4-77102149-G-C.
Other names: c.276-5086C>G (NM_001204255.2); short protein forms D127E.
Identifiers: ClinVar variation 531795 (VCV000531795.7), dbSNP rs1553948511, ClinGen allele CA357327173.

ClinVar aggregate classification (germline): Uncertain significance (1 of 4 stars; one submission).

Conditions:
Progressive myoclonic epilepsy. Also called: Myoclonic Epilepsies, Progressive; Myoclonus epilepsy; Familial progressive myoclonic epilepsy; Progressive myoclonus epilepsy. Identifiers: Orphanet 308, Orphanet 98261, MedGen C0751778, MONDO:0020074.

gnomAD v4.1: 2 of 1,613,488 alleles (0.00012%); highest among the groups gnomAD compares: Admixed American, 0.0033%; no homozygotes.

Submission:

Labcorp Genetics (formerly Invitae), Labcorp
Classification: Uncertain significance for Progressive myoclonic epilepsy. Last evaluated: 2021-08-26. Review status: criteria provided, single submitter. Criteria: Invitae Variant Classification Sherloc (09022015). Collection method: clinical testing. Allele origin: germline.
Comment: This sequence change replaces aspartic acid with glutamic acid at codon 127 of the SCARB2 protein (p.Asp127Glu). The aspartic acid residue is moderately conserved and there is a small physicochemical difference between aspartic acid and glutamic acid. This variant is not present in population databases (ExAC no frequency). This variant has not been reported in the literature in individuals affected with SCARB2-related conditions. Algorithms developed to predict the effect of missense changes on protein structure and function are either unavailable or do not agree on the potential impact of this missense change (SIFT: "Deleterious"; PolyPhen-2: "Probably Damaging"; Align-GVGD: "Class C0"). In summary, the available evidence is currently insufficient to determine the role of this variant in disease. Therefore, it has been classified as a Variant of Uncertain Significance.